The following is an entry in ClinVar:

NM_032043.3(BRIP1):c.2519_2520insCCGGGCGCGGTGGCTCACGCCTGTAATCCCAGCACTTTGGGAGGCCGAGGCGGGCGGATCACGAGGTCAGGAGATCGAGACCANNNNNNNNNNNNNNNAAAAAAAAAAAAAAAAAAAAAAAAAAAAAAAAAGAAATGATTGGGG (p.Gly840_Ala841insArgAlaArgTrpLeuThrProValIleProAlaLeuTrpGluAlaGluAlaGlyGlySerArgGlyGlnGluIleGluThrXaaXaaXaaXaaXaaXaaLysLysLysLysLysLysLysLysLysLysArgAsnAspTrpGly)

Gene: BRIP1 (BRCA1 interacting DNA helicase 1; minus strand). Cytogenetic location: 17q23.2.
Variant type: Microsatellite.
Coding change: c.2519_2520insCCGGGCGCGGTGGCTCACGCCTGTAATCCCAGCACTTTGGGAGGCCGAGGCGGGCGGATCACGAGGTCAGGAGATCGAGACCANNNNNNNNNNNNNNNAAAAAAAAAAAAAAAAAAAAAAAAAAAAAAAAAGAAATGATTGGGG on transcript NM_032043.3 (MANE Select); coding-DNA positions 2519 to 2520, CCGGGCGCGGTGGCTCACGCCTGTAATCCCAGCACTTTGGGAGGCCGAGGCGGGCGGATCACGAGGTCAGGAGATCGAGACCANNNNNNNNNNNNNNNAAAAAAAAAAAAAAAAAAAAAAAAAAAAAAAAAGAAATGATTGGGG inserted.
Protein change: p.Gly840_Ala841insArgAlaArgTrpLeuThrProValIleProAlaLeuTrpGluAlaGluAlaGlyGlySerArgGlyGlnGluIleGluThrXaaXaaXaaXaaXaaXaaLysLysLysLysLysLysLysLysLysLysArgAsnAspTrpGly.
Molecular consequence: inframe insertion.
Genome position: GRCh38: chr17:61,693,486-61,693,499. GRCh37 (hg19): chr17:59,770,847-59,770,860.
Identifiers: ClinVar variation 1072409 (VCV001072409.9).

ClinVar aggregate classification (germline): Pathogenic (1 of 4 stars; one submission).

Conditions:
Familial cancer of breast. Also called: Hereditary breast cancer; BREAST CANCER, FAMILIAL; hereditary breast carcinoma. Identifiers: Orphanet 227535, MedGen C0346153, MONDO:0016419, OMIM 114480. Disease mechanism: loss of function.
Fanconi anemia complementation group J. Also called: BRIP1-Related Fanconi Anemia. Identifiers: Orphanet 84, MedGen C1836860, MONDO:0012187, OMIM 609054.

Submission:

Labcorp Genetics (formerly Invitae), Labcorp
Classification: Pathogenic for Familial cancer of breast; Fanconi anemia complementation group J. Last evaluated: 2024-06-25. Review status: criteria provided, single submitter. Criteria: Invitae Variant Classification Sherloc (09022015). Collection method: clinical testing. Allele origin: germline.
Comment: This sequence change inserts a large fragment of DNA, likely a transposable element, in exon 18 of the BRIP1 gene (c.2519_2520ins?), causing a frameshift at codon 840 (p.Gly840fs). The exact size and sequence of the insertion cannot be determined by the current assay. However, the insertion is expected to result in an absent or disrupted protein product. This variant has not been reported in the literature in individuals affected with BRIP1-related conditions. Retrotransposon insertions including LINE1 (L1), Alu, and SVA (SINE-VNTR-Alu) have been reported to be disease-causing through disruption of either a coding region or splice site (PMID: 19763152, 20307669, 22406018) and loss-of-function variants in BRIP1 are known to be pathogenic (PMID: 16116423, 17033622, 21964575). For these reasons, this variant has been classified as Pathogenic.

Literature cited by the submitters: PubMed 19763152; PubMed 20307669; PubMed 22406018; PubMed 16116423; PubMed 17033622; PubMed 21964575.